The following is an entry in ClinVar:

NM_020919.4(ALS2):c.3701del (p.Lys1234fs)

Gene: ALS2 (alsin Rho guanine nucleotide exchange factor ALS2; minus strand). Cytogenetic location: 2q33.1.
Variant type: Deletion.
Coding change: c.3701del on transcript NM_020919.4 (MANE Select); coding-DNA position 3701, one base deleted (A; older notation c.3701delA).
Protein change: p.Lys1234fs; shifts the reading frame from lysine 1234.
Molecular consequence: frameshift variant.
Genome position (GRCh38, 1-based): chr2:201,723,044, T deleted on the plus strand (A on the coding strand, the reverse complement: ALS2 is on the minus strand); the first of 3 consecutive T bases (chr2:201,723,044-201,723,046); deleting any one gives the same sequence. VCF-style (leftmost placement, unchanged base first): chr2-201723043-CT-C. GRCh37 (hg19) VCF-style: chr2-202587766-CT-C.
Other names: c.3701del, p.Lys1234fs (NM_001410975.1); short protein forms K1234fs.
Identifiers: ClinVar variation 4886456 (VCV004886456.2).
Genomic context (GRCh38, chr2:201,723,043, plus strand): 5'-TAAAAAAAAATTAGTAAAAGAATTTATTAGGGAGAAAAAAAAAGAAAGCTAGTTTCCAAC[CT>C]TTCCACTAAGAGTCCAGTCATCTGAAAATTCTCCTTCATAGATAGTATCATCTTCGGAAA-3'

ClinVar aggregate classification (germline): Likely pathogenic (1 of 4 stars; one submission).

Submission:

Dasa
Classification: Likely pathogenic. Last evaluated: 2025-10-14. Review status: criteria provided, single submitter. Criteria: DASA Assertion Criteria. Collection method: clinical testing. Allele origin: germline.
Comment: NM_020919.4(ALS2):c.3701del (p.Lys1234Argfs*4) is a frameshift variant in ALS2 predicted to alter the reading frame and introduce a premature termination codon and is predicted to result in an absent or altered protein product. Loss of function is an established disease mechanism for ALS2-associated disorders. Also, this variant is absent from population databases. Based on the currently available evidence, this variant is classified as likely pathogenic.